The following is an entry in ClinVar:

ClinVar aggregate classification (germline): Uncertain significance (1 of 4 stars; one submission).

Allele frequency attached by ClinVar (database versions not stated): ESP Exome Variant Server 0.00009.
gnomAD v4.1: 3 of 1,094,636 alleles (0.00027%); highest among the groups gnomAD compares: African/African-American, 0.0036%; no homozygotes.

Submission:

Greenwood Genetic Center Diagnostic Laboratories, Greenwood Genetic Center
Classification: Uncertain significance. Last evaluated: 2023-06-08. Review status: criteria provided, single submitter. Criteria: ACMG Guidelines, 2015. Collection method: clinical testing. Allele origin: germline. Affected: yes.
Comment: PM2, BP4

NM_001368397.1(FRMPD4):c.474C>A (p.Pro158=)

Gene: FRMPD4 (FERM and PDZ domain containing 4; plus strand). Cytogenetic location: Xp22.2.
Variant type: single nucleotide variant.
Coding change: c.474C>A on transcript NM_001368397.1 (MANE Select); coding-DNA position 474, C replaced by A.
Protein change: p.Pro158=; no amino-acid change (proline 158 retained).
Molecular consequence: synonymous variant.
Genome position (GRCh38, 1-based): chrX:12,683,488, C>A. VCF-style: chrX-12683488-C-A. GRCh37 (hg19) VCF-style: chrX-12701607-C-A.
Other names: c.585C>A, p.Pro195= (NM_001368395.3, NM_001368398.3); c.480C>A, p.Pro160= (NM_001368396.3); c.465C>A, p.Pro155= (NM_001368399.3); c.354C>A, p.Pro118= (NM_001368400.3); c.450C>A, p.Pro150= (NM_001368401.1, NM_001368402.3); c.474C>A, p.Pro158= (NM_014728.3).
Identifiers: ClinVar variation 2572264 (VCV002572264.1), dbSNP rs147360584, ClinGen allele CA10349130.